The following is an entry in ClinVar:

NM_000975.5(RPL11):c.30C>T (p.Asn10=)

Gene: RPL11 (ribosomal protein L11; plus strand). Cytogenetic location: 1p36.11.
Variant type: single nucleotide variant.
Coding change: c.30C>T on transcript NM_000975.5 (MANE Select); coding-DNA position 30, C replaced by T.
Protein change: p.Asn10=; no amino-acid change (asparagine 10 retained).
Molecular consequence: synonymous variant.
Genome position (GRCh38, 1-based): chr1:23,692,632, C>T. VCF-style: chr1-23692632-C-T. GRCh37 (hg19) VCF-style: chr1-24019122-C-T.
Other names: c.30C>T, p.Asn10= (LRG_1140t1); c.27C>T, p.Asn9= (NM_001199802.1).
Identifiers: ClinVar variation 296815 (VCV000296815.20), dbSNP rs139286202, ClinGen allele CA684155.

ClinVar aggregate classification (germline): Benign/Likely benign. Review status: criteria provided, multiple submitters, no conflicts (2 of 4 stars). 5 submissions from 5 submitters: Benign (2); Likely benign (3). Last evaluated 2026-01-27.

Conditions:
Diamond-Blackfan anemia. Also called: Aase syndrome; Blackfan Diamond syndrome; Aregenerative anemia chronic congenital; Red cell aplasia, pure hereditary; Congenital hypoplastic anemia. Identifiers: Orphanet 124, MedGen C1260899, MeSH D029503, MONDO:0015253, HP:0004810.
Diamond-Blackfan anemia 7 (DBA7). Also called: RPL11-Related Diamond-Blackfan Anemia. Identifiers: Orphanet 124, MedGen C2675512, MONDO:0012938, OMIM 612562.

Allele frequency attached by ClinVar (database versions not stated): 1000 Genomes Project 30x 0.00031; ExAC 0.00064; TOPMed 0.00067; gnomAD 0.00072 and 0.00076; gnomAD exomes 0.00072 and 0.00112; ESP Exome Variant Server 0.00123.
gnomAD v4.1: 1,710 of 1,614,138 alleles (0.11%); highest among the groups gnomAD compares: Non-Finnish European, 0.13%; no homozygotes.

Submissions (5):

Labcorp Genetics (formerly Invitae), Labcorp
Classification: Benign for Diamond-Blackfan anemia. Last evaluated: 2026-01-27. Review status: criteria provided, single submitter. Criteria: Invitae Variant Classification Sherloc (09022015). Collection method: clinical testing. Allele origin: germline.

Blueprint Genetics
Classification: Likely benign. Last evaluated: 2024-10-24. Review status: criteria provided, single submitter. Criteria: ACMG Guidelines, 2015. Collection method: clinical testing. Allele origin: germline.

GeneDx
Classification: Likely benign. Last evaluated: 2020-09-29. Review status: criteria provided, single submitter. Criteria: GeneDx Variant Classification Process June 2021. Collection method: clinical testing. Allele origin: germline. Affected: yes.

Illumina Laboratory Services, Illumina
Classification: Benign for Diamond-Blackfan anemia 7. Last evaluated: 2018-01-13. Review status: criteria provided, single submitter. Criteria: ICSL Variant Classification Criteria 13 December 2019. Collection method: clinical testing. Allele origin: germline.
Comment: This variant was observed in the ICSL laboratory as part of a predisposition screen in an ostensibly healthy population. It had not been previously curated by ICSL or reported in the Human Gene Mutation Database (HGMD: prior to June 1st, 2018), and was therefore a candidate for classification through an automated scoring system. Utilizing variant allele frequency, disease prevalence and penetrance estimates, and inheritance mode, an automated score was calculated to assess if this variant is too frequent to cause the disease. Based on the score and internal cut-off values, a variant classified as benign is not then subjected to further curation. The score for this variant resulted in a classification of benign for this disease.

Ambry Genetics
Classification: Likely benign for Diamond-Blackfan anemia. Last evaluated: 2016-12-21. Review status: criteria provided, single submitter. Criteria: Ambry Variant Classification Scheme 2023. Collection method: clinical testing. Allele origin: germline.